The following is an entry in ClinVar:

ClinVar aggregate classification (germline): Uncertain significance. Review status: criteria provided, multiple submitters, no conflicts (2 of 4 stars). 3 submissions from 3 submitters: Uncertain significance (3). Last evaluated 2024-03-18.

Conditions:
Stüve-Wiedemann syndrome 1. Also called: STUVE-WIEDEMANN/SCHWARTZ-JAMPEL TYPE 2 SYNDROME. Identifiers: Orphanet 3206, MedGen C5676888, MONDO:0800043, OMIM 601559.
Stuve-Wiedemann syndrome (STWS). Also called: Stüve-Wiedemann syndrome. Identifiers: Orphanet 3206, MedGen C0796176, MONDO:0031280.

Allele frequency attached by ClinVar (database versions not stated): gnomAD 0.00042; TOPMed 0.00043; gnomAD exomes 0.00068; ESP Exome Variant Server 0.00077.

Submissions (3):

Fulgent Genetics
Classification: Uncertain significance for Stüve-Wiedemann syndrome 1. Last evaluated: 2024-03-18. Review status: criteria provided, single submitter. Criteria: ACMG Guidelines, 2015. Collection method: clinical testing. Allele origin: germline.

Labcorp Genetics (formerly Invitae), Labcorp
Classification: Uncertain significance. Last evaluated: 2022-05-29. Review status: criteria provided, single submitter. Criteria: Invitae Variant Classification Sherloc (09022015). Collection method: clinical testing. Allele origin: germline.
Comment: This sequence change replaces arginine, which is basic and polar, with histidine, which is basic and polar, at codon 88 of the LIFR protein (p.Arg88His). This variant is present in population databases (rs61751711, gnomAD 0.07%). This variant has not been reported in the literature in individuals affected with LIFR-related conditions. ClinVar contains an entry for this variant (Variation ID: 353632). Algorithms developed to predict the effect of missense changes on protein structure and function output the following: SIFT: "Tolerated"; PolyPhen-2: "Benign"; Align-GVGD: "Class C0". The histidine amino acid residue is found in multiple mammalian species, which suggests that this missense change does not adversely affect protein function. In summary, the available evidence is currently insufficient to determine the role of this variant in disease. Therefore, it has been classified as a Variant of Uncertain Significance.

Illumina Laboratory Services, Illumina
Classification: Uncertain significance for Stüve-Wiedemann syndrome 1. Last evaluated: 2018-01-13. Review status: criteria provided, single submitter. Criteria: ICSL Variant Classification Criteria 13 December 2019. Collection method: clinical testing. Allele origin: germline.

NM_001127671.2(LIFR):c.263G>A (p.Arg88His)

Gene: LIFR (LIF receptor subunit alpha; minus strand). Cytogenetic location: 5p13.1.
Variant type: single nucleotide variant.
Coding change: c.263G>A on transcript NM_001127671.2 (MANE Select); coding-DNA position 263, G replaced by A.
Protein change: p.Arg88His; replaces arginine 88 with histidine.
Molecular consequence: missense variant.
Genome position (GRCh38, 1-based): chr5:38,527,289, C>T on the plus strand (G>A on the coding strand, the complement: LIFR is on the minus strand). VCF-style: chr5-38527289-C-T. GRCh37 (hg19) VCF-style: chr5-38527391-C-T.
Other names: c.263G>A, p.Arg88His (NM_001364297.2, NM_001364298.2, NM_002310.6); short protein forms R88H.
Identifiers: ClinVar variation 353632 (VCV000353632.7), dbSNP rs61751711, ClinGen allele CA3243274.